The following is an entry in ClinVar:

ClinVar aggregate classification (germline): Uncertain significance. Review status: criteria provided, multiple submitters, no conflicts (2 of 4 stars). 2 submissions from 2 submitters: Uncertain significance (2). Last evaluated 2023-11-15.

Conditions:
Niemann-Pick disease, type C1. Also called: NIEMANN-PICK DISEASE, VARIANT TYPE C1; NEUROVISCERAL STORAGE DISEASE WITH VERTICAL SUPRANUCLEAR OPHTHALMOPLEGIA; NIEMANN-PICK DISEASE WITH CHOLESTEROL ESTERIFICATION BLOCK; NIEMANN-PICK DISEASE WITHOUT SPHINGOMYELINASE DEFICIENCY; NIEMANN-PICK DISEASE, CHRONIC NEURONOPATHIC FORM. Identifiers: Orphanet 646, MedGen C3179455, MONDO:0009757, OMIM 257220.

Submissions (2):

Revvity Omics, Revvity
Classification: Uncertain significance for Niemann-Pick disease, type C1. Last evaluated: 2023-11-15. Review status: criteria provided, single submitter. Criteria: ACMG Guidelines, 2015. Collection method: clinical testing. Allele origin: germline.

Neuberg Centre For Genomic Medicine, NCGM
Classification: Uncertain significance for Niemann-Pick disease, type C1. Review status: criteria provided, single submitter. Criteria: ACMG Guidelines, 2015. Collection method: clinical testing. Allele origin: germline. Inheritance: Autosomal recessive inheritance. Affected: yes.
Comment: The inframe deletion variant c.755_760dup (p.Gln252_Pro253dup) in NPC1 gene has not been reported previously as a pathogenic variant nor as a benign variant, to our knowledge. The p.Gln252_Pro253dup variant is novel (not in any individuals) in 1000 Genomes and allele frequency of 0.0003989% is reported in gnomAD. This p.Gln252_Pro253dup causes duplication of amino acid Glutamine at postion 252 and duplication of amino acid Proline at postion 253. The NPC1 variant is an inframe variant and hence classified as Uncertain Significance

NM_000271.5(NPC1):c.749AGCCCC[3] (p.Pro253_Pro254insGlnPro)

Gene: NPC1 (NPC intracellular cholesterol transporter 1; minus strand). Cytogenetic location: 18q11.2.
Variant type: Microsatellite.
Coding change: c.749AGCCCC[3] on transcript NM_000271.5 (MANE Select); three copies in a row of the 6-base unit AGCCCC starting at c.749; the reference has two copies in a row; one copy, 6 bases duplicated; also written c.755_760dup.
Protein change: p.Pro253_Pro254insGlnPro.
Molecular consequence: inframe insertion.
Genome position (GRCh38, 1-based): chr18:23,560,352-23,560,357, GGGGCT duplicated on the plus strand (AGCCCC on the coding strand, the reverse complement: NPC1 is on the minus strand); duplicating any 6 consecutive bases within chr18:23,560,352-23,560,363 gives the same sequence; the position shown is the placement nearest the transcript's 3' end. VCF-style (leftmost placement, unchanged base first): chr18-23560351-G-GGGGGCT. GRCh37 (hg19) VCF-style: chr18-21140315-G-GGGGGCT.
Other names: c.755_760dup (NM_000271.5, NM_000271.4).
Identifiers: ClinVar variation 2585184 (VCV002585184.3), dbSNP rs1567969356, ClinGen allele CA628978834.